The following is an entry in ClinVar:

NM_015335.5(MED13L):c.5278C>T (p.Arg1760Ter)

Gene: MED13L (mediator complex subunit 13L; minus strand). Cytogenetic location: 12q24.21.
Variant type: single nucleotide variant.
Coding change: c.5278C>T on transcript NM_015335.5 (MANE Select); coding-DNA position 5278, C replaced by T.
Protein change: p.Arg1760Ter; replaces arginine 1760 with a stop codon.
Molecular consequence: nonsense.
Genome position (GRCh38, 1-based): chr12:115,980,836, G>A on the plus strand (C>T on the coding strand, the complement: MED13L is on the minus strand). VCF-style: chr12-115980836-G-A. GRCh37 (hg19) VCF-style: chr12-116418641-G-A.
Other names: short protein forms R1760*.
Identifiers: ClinVar variation 280198 (VCV000280198.43), dbSNP rs886041448, ClinGen allele CA10603144.

ClinVar aggregate classification (germline): Pathogenic. Review status: criteria provided, multiple submitters, no conflicts (2 of 4 stars). 5 submissions from 5 submitters: Pathogenic (5). Last evaluated 2025-10-16.

Conditions:
MED13L-related disorder. Also called: MED13L-related condition.
Cardiac anomalies - developmental delay - facial dysmorphism syndrome (MRFACD). Also called: Impaired intellectual development and distinctive facial features with or without cardiac defects; MED13L Syndrome. Identifiers: Orphanet 369891, MedGen C5192431, MONDO:0014773, OMIM 616789.
Intellectual disability. Also called: Intellectual functioning disability; intellectual disabilities; Intellectual developmental disorder. Identifiers: MedGen C3714756, MeSH D008607, MONDO:0001071, HP:0001249.

Submissions (5):

GeneDx
Classification: Pathogenic. Last evaluated: 2025-10-16. Review status: criteria provided, single submitter. Criteria: GeneDx Variant Classification Process June 2021. Collection method: clinical testing. Allele origin: germline. Affected: yes.
Comment: De novo variant identified in a newborn with spina bifida who also harbored two other de novo variants in different genes (PMID: 33748132); Nonsense variant predicted to result in protein truncation or nonsense mediated decay in a gene for which loss of function is a known mechanism of disease; Not observed at significant frequency in large population cohorts (gnomAD); This variant is associated with the following publications: (PMID: 29511999, 33057194, 35982159, 33748132)

CeGaT Center for Human Genetics Tuebingen
Classification: Pathogenic. Last evaluated: 2021-08-01. Review status: criteria provided, single submitter. Criteria: CeGaT Center For Human Genetics Tuebingen Variant Classification Criteria Version 2. Collection method: clinical testing. Allele origin: germline. Affected: yes. Observed: 1 variant allele.

Victorian Clinical Genetics Services, Murdoch Childrens Research Institute
Classification: Pathogenic for Cardiac anomalies - developmental delay - facial dysmorphism syndrome. Last evaluated: 2020-10-19. Review status: criteria provided, single submitter. Criteria: ACMG Guidelines, 2015. Collection method: clinical testing. Allele origin: germline. Inheritance: Autosomal dominant inheritance. Affected: yes.
Comment: Based on the classification scheme VCGS_Germline_v1.3.3, this variant is classified as Pathogenic. Following criteria are met: 0102 - Loss of function is a known mechanism of disease in this gene and is associated with MED13L-related neurodevelopmental disorder. (I) 0107 - This gene is associated with autosomal dominant disease. (I) 0201 - Variant is predicted to cause nonsense-mediated decay (NMD) and loss of protein (premature termination codon is located at least 54 nucleotides upstream of the final exon-exon junction). (SP) 0251 - This variant is heterozygous. (I) 0301 - Variant is absent from gnomAD (both v2 and v3). (SP) 0401 - Variant is located in a gene associated with a severe early-onset dominant condition that is intolerant to loss of function variants (ClinVar, gnomAD v2). (SP) 0701 – Other loss-of-function variants comparable to the one identified in this case have very strong previous evidence for pathogenicity. Many loss-of-function variants have been reported upstream and downstream of this variant (ClinVar). (SP) 0802 - This variant has moderate previous evidence of pathogenicity in unrelated individuals. (SP) 0905 - No published segregation evidence has been identified for this variant. (I) 1102 - Strong phenotype match for this individual. (SP) 1208 - Inheritance information for this variant is not currently available in this individual. (I) Legend: (SP) - Supporting pathogenic, (I) - Information, (SB) - Supporting benign

Blueprint Genetics
Classification: Pathogenic for MED13L-related disorders. Last evaluated: 2020-09-21. Review status: criteria provided, single submitter. Criteria: ACMG Guidelines, 2015. Collection method: clinical testing. Allele origin: germline. Affected: yes. Observed: 1 variant allele.

Diagnostic Laboratory, Strasbourg University Hospital
Classification: Pathogenic for Intellectual disability. Last evaluated: 2020-04-20. Review status: criteria provided, single submitter. Criteria: ACMG Guidelines, 2015. Collection method: clinical testing. Allele origin: de novo. Inheritance: Autosomal dominant inheritance. Affected: yes. Observed: 1 heterozygote.

Literature cited by the submitters: PubMed 29511999 (cited by Victorian Clinical Genetics Services, Murdoch Childrens Research Institute).